The following is an entry in ClinVar:

ClinVar aggregate classification (germline): Uncertain significance (1 of 4 stars; one submission).

Conditions:
Neu-Laxova syndrome 2. Identifiers: Orphanet 2671, Orphanet 583602, MedGen C4015019, MONDO:0014466, OMIM 616038.

gnomAD v4.1: 2 of 1,614,218 alleles (0.00012%); highest among the groups gnomAD compares: Non-Finnish European, 0.00017%; no homozygotes.

Submission:

Labcorp Genetics (formerly Invitae), Labcorp
Classification: Uncertain significance for Neu-Laxova syndrome 2. Last evaluated: 2023-07-07. Review status: criteria provided, single submitter. Criteria: Invitae Variant Classification Sherloc (09022015). Collection method: clinical testing. Allele origin: germline.
Comment: This sequence change replaces glycine, which is neutral and non-polar, with valine, which is neutral and non-polar, at codon 78 of the PSAT1 protein (p.Gly78Val). This variant is not present in population databases (gnomAD no frequency). This variant has not been reported in the literature in individuals affected with PSAT1-related conditions. ClinVar contains an entry for this variant (Variation ID: 1380268). Advanced modeling of protein sequence and biophysical properties (such as structural, functional, and spatial information, amino acid conservation, physicochemical variation, residue mobility, and thermodynamic stability) performed at Invitae indicates that this missense variant is expected to disrupt PSAT1 protein function. In summary, the available evidence is currently insufficient to determine the role of this variant in disease. Therefore, it has been classified as a Variant of Uncertain Significance.

NM_058179.4(PSAT1):c.233G>T (p.Gly78Val)

Gene: PSAT1 (phosphoserine aminotransferase 1; plus strand). Cytogenetic location: 9q21.2.
Variant type: single nucleotide variant.
Coding change: c.233G>T on transcript NM_058179.4 (MANE Select); coding-DNA position 233, G replaced by T.
Protein change: p.Gly78Val; replaces glycine 78 with valine.
Molecular consequence: missense variant.
Genome position (GRCh38, 1-based): chr9:78,304,776, G>T. VCF-style: chr9-78304776-G-T. GRCh37 (hg19) VCF-style: chr9-80919692-G-T.
Other names: c.233G>T, p.Gly78Val (NM_021154.5); short protein forms G78V.
Identifiers: ClinVar variation 1380268 (VCV001380268.4), dbSNP rs1270171186, ClinGen allele CA373872083.